The following is an entry in ClinVar:

ClinVar aggregate classification (germline): Uncertain significance (1 of 4 stars; one submission).

Conditions:
Hereditary cancer-predisposing syndrome. Also called: Hereditary Cancer Syndrome; Hereditary neoplastic syndrome; Tumor predisposition; Neoplastic Syndromes, Hereditary. Identifiers: Orphanet 140162, MedGen C0027672, MeSH D009386, MONDO:0015356.

Submission:

Ambry Genetics
Classification: Uncertain significance for Hereditary cancer-predisposing syndrome. Last evaluated: 2024-10-28. Review status: criteria provided, single submitter. Criteria: Ambry Variant Classification Scheme 2023. Collection method: clinical testing. Allele origin: germline.
Comment: The p.I375V variant (also known as c.1123A>G), located in coding exon 4 of the ALK gene, results from an A to G substitution at nucleotide position 1123. The isoleucine at codon 375 is replaced by valine, an amino acid with highly similar properties. This amino acid position is conserved. In addition, this alteration is predicted to be tolerated by in silico analysis. Based on the available evidence, the clinical significance of this variant remains unclear.

NM_004304.5(ALK):c.1123A>G (p.Ile375Val)

Gene: ALK (ALK receptor tyrosine kinase; minus strand). Cytogenetic location: 2p23.2.
Variant type: single nucleotide variant.
Coding change: c.1123A>G on transcript NM_004304.5 (MANE Select); coding-DNA position 1123, A replaced by G.
Protein change: p.Ile375Val; replaces isoleucine 375 with valine.
Molecular consequence: missense variant.
Genome position (GRCh38, 1-based): chr2:29,531,946, T>C on the plus strand (A>G on the coding strand, the complement: ALK is on the minus strand). VCF-style: chr2-29531946-T-C. GRCh37 (hg19) VCF-style: chr2-29754812-T-C.
Other names: short protein forms I375V.
Identifiers: ClinVar variation 3525044 (VCV003525044.1).